The following is an entry in ClinVar:

NM_000257.4(MYH7):c.3173A>G (p.Asp1058Gly)

Gene: MYH7 (myosin heavy chain 7; minus strand). Cytogenetic location: 14q11.2.
Variant type: single nucleotide variant.
Coding change: c.3173A>G on transcript NM_000257.4 (MANE Select); coding-DNA position 3173, A replaced by G.
Protein change: p.Asp1058Gly; replaces aspartic acid 1058 with glycine.
Molecular consequence: missense variant.
Genome position (GRCh38, 1-based): chr14:23,422,252, T>C on the plus strand (A>G on the coding strand, the complement: MYH7 is on the minus strand). VCF-style: chr14-23422252-T-C. GRCh37 (hg19) VCF-style: chr14-23891461-T-C.
Other names: c.3173A>G, p.Asp1058Gly (NM_001407004.1); short protein forms D1058G.
Identifiers: ClinVar variation 1728462 (VCV001728462.2), dbSNP rs2502272519, ClinGen allele CA389045311.

ClinVar aggregate classification (germline): Uncertain significance (1 of 4 stars; one submission).

Conditions:
Cardiovascular phenotype. Identifiers: MedGen CN230736.

Submission:

Ambry Genetics
Classification: Uncertain significance for Cardiovascular phenotype. Last evaluated: 2021-05-18. Review status: criteria provided, single submitter. Criteria: Ambry Variant Classification Scheme 2023. Collection method: clinical testing. Allele origin: germline.
Comment: The p.D1058G variant (also known as c.3173A>G), located in coding exon 23 of the MYH7 gene, results from an A to G substitution at nucleotide position 3173. The aspartic acid at codon 1058 is replaced by glycine, an amino acid with similar properties. This amino acid position is highly conserved in available vertebrate species. In addition, this alteration is predicted to be deleterious by in silico analysis. Since supporting evidence is limited at this time, the clinical significance of this alteration remains unclear.